The following is an entry in ClinVar:

ClinVar aggregate classification (germline): Uncertain significance (1 of 4 stars; one submission).

Allele frequency attached by ClinVar (database versions not stated): gnomAD 0.00001; TOPMed 0.00001; gnomAD exomes 0.00002; ExAC 0.00003.
gnomAD v4.1: 27 of 1,614,048 alleles (0.0017%); highest among the groups gnomAD compares: South Asian, 0.0033%; no homozygotes.

Submission:

Labcorp Genetics (formerly Invitae), Labcorp
Classification: Uncertain significance. Last evaluated: 2024-12-29. Review status: criteria provided, single submitter. Criteria: Invitae Variant Classification Sherloc (09022015). Collection method: clinical testing. Allele origin: germline.
Comment: This sequence change replaces threonine, which is neutral and polar, with methionine, which is neutral and non-polar, at codon 104 of the ACVR1 protein (p.Thr104Met). This variant is present in population databases (rs758925804, gnomAD 0.003%). This variant has not been reported in the literature in individuals affected with ACVR1-related conditions. ClinVar contains an entry for this variant (Variation ID: 1897482). An algorithm developed to predict the effect of missense changes on protein structure and function (PolyPhen-2) suggests that this variant is likely to be disruptive. In summary, the available evidence is currently insufficient to determine the role of this variant in disease. Therefore, it has been classified as a Variant of Uncertain Significance.

NM_001111067.4(ACVR1):c.311C>T (p.Thr104Met)

Gene: ACVR1 (activin A receptor type 1; minus strand). Cytogenetic location: 2q24.1.
Variant type: single nucleotide variant.
Coding change: c.311C>T on transcript NM_001111067.4 (MANE Select); coding-DNA position 311, C replaced by T.
Protein change: p.Thr104Met; replaces threonine 104 with methionine.
Molecular consequence: missense variant.
Genome position (GRCh38, 1-based): chr2:157,780,357, G>A on the plus strand (C>T on the coding strand, the complement: ACVR1 is on the minus strand). VCF-style: chr2-157780357-G-A. GRCh37 (hg19) VCF-style: chr2-158636869-G-A.
Other names: c.311C>T, p.Thr104Met (NM_001105.5, NM_001347663.1, NM_001347664.1 and 3 more transcripts); short protein forms T104M.
Identifiers: ClinVar variation 1897482 (VCV001897482.5), dbSNP rs758925804, ClinGen allele CA1919192.